The following is an entry in ClinVar:

NM_022836.4(DCLRE1B):c.137G>T (p.Arg46Leu)

Gene: DCLRE1B (DNA cross-link repair 1B; plus strand). Cytogenetic location: 1p13.2.
Variant type: single nucleotide variant.
Coding change: c.137G>T on transcript NM_022836.4 (MANE Select); coding-DNA position 137, G replaced by T.
Protein change: p.Arg46Leu; replaces arginine 46 with leucine.
Molecular consequence: missense variant. On other transcripts: 5 prime UTR variant (3).
Genome position (GRCh38, 1-based): chr1:113,905,723, G>T. VCF-style: chr1-113905723-G-T. GRCh37 (hg19) VCF-style: chr1-114448345-G-T.
Other names: c.-76G>T (NM_001319946.2, NM_001319947.2, NM_001363691.2); c.137G>T, p.Arg46Leu (NM_001363690.2, LRG_1219t1); short protein forms R46L.
Identifiers: ClinVar variation 569061 (VCV000569061.11), dbSNP rs28381069, ClinGen allele CA1016276.
Genomic context (GRCh38, chr1:113,905,723, plus strand): 5'-TCTTCTTCTTGTCTCACATGCACTCGGACCACACCGTGGGCCTGTCTAGCACCTGGGCCC[G>T]GCCCCTCTACTGCTCCCCAATTACAGCCCACCTCTTGCATCGTCACCTACAGGTATGGGG-3'
Protein context (NP_073747.1, residues 36-56): HTVGLSSTWA[Arg46Leu]PLYCSPITAH

ClinVar aggregate classification (germline): Uncertain significance. Review status: criteria provided, multiple submitters, no conflicts (2 of 4 stars). 2 submissions from 2 submitters: Uncertain significance (2). Last evaluated 2025-08-14.

Conditions:
Hoyeraal-Hreidarsson syndrome (HHS). Also called: CEREBELLAR HYPOPLASIA WITH PANCYTOPENIA. Identifiers: Orphanet 3322, MedGen C1846142, MONDO:0018045.
Autosomal recessive dyskeratosis congenita. Identifiers: MedGen C3502105.

Allele frequency attached by ClinVar (database versions not stated): gnomAD 0.00022; ESP Exome Variant Server 0.00046; TOPMed 0.00057; 1000 Genomes Project 0.00160; 1000 Genomes Project 30x 0.00172.
gnomAD v4.1: 141 of 1,614,130 alleles (0.0087%); highest among the groups gnomAD compares: African/African-American, 0.15%; no homozygotes.

Submissions (2):

Ambry Genetics
Classification: Uncertain significance. Last evaluated: 2025-08-14. Review status: criteria provided, single submitter. Criteria: Ambry Variant Classification Scheme 2023. Collection method: clinical testing. Allele origin: germline.

Labcorp Genetics (formerly Invitae), Labcorp
Classification: Uncertain significance for Hoyeraal-Hreidarsson syndrome; Autosomal recessive dyskeratosis congenita. Last evaluated: 2024-11-05. Review status: criteria provided, single submitter. Criteria: Invitae Variant Classification Sherloc (09022015). Collection method: clinical testing. Allele origin: germline.
Comment: This sequence change replaces arginine, which is basic and polar, with leucine, which is neutral and non-polar, at codon 46 of the DCLRE1B protein (p.Arg46Leu). This variant is present in population databases (rs28381069, gnomAD 0.1%), and has an allele count higher than expected for a pathogenic variant. This variant has not been reported in the literature in individuals affected with DCLRE1B-related conditions. ClinVar contains an entry for this variant (Variation ID: 569061). An algorithm developed to predict the effect of missense changes on protein structure and function (PolyPhen-2) suggests that this variant is likely to be disruptive. In summary, the available evidence is currently insufficient to determine the role of this variant in disease. Therefore, it has been classified as a Variant of Uncertain Significance.